The following is an entry in ClinVar:

ClinVar aggregate classification (germline): Uncertain significance (1 of 4 stars; one submission).

Submission:

Labcorp Genetics (formerly Invitae), Labcorp
Classification: Uncertain significance. Last evaluated: 2024-10-30. Review status: criteria provided, single submitter. Criteria: Invitae Variant Classification Sherloc (09022015). Collection method: clinical testing. Allele origin: germline.
Comment: This sequence change replaces alanine, which is neutral and non-polar, with valine, which is neutral and non-polar, at codon 434 of the DLL3 protein (p.Ala434Val). This variant is present in population databases (rs767584523, gnomAD 0.05%). This variant has not been reported in the literature in individuals affected with DLL3-related conditions. An algorithm developed to predict the effect of missense changes on protein structure and function (PolyPhen-2) suggests that this variant is likely to be disruptive. In summary, the available evidence is currently insufficient to determine the role of this variant in disease. Therefore, it has been classified as a Variant of Uncertain Significance.

NM_203486.3(DLL3):c.1301C>T (p.Ala434Val)

Gene: DLL3 (delta like canonical Notch ligand 3; plus strand). Cytogenetic location: 19q13.2.
Variant type: single nucleotide variant.
Coding change: c.1301C>T on transcript NM_203486.3 (MANE Select); coding-DNA position 1301, C replaced by T.
Protein change: p.Ala434Val; replaces alanine 434 with valine.
Molecular consequence: missense variant.
Genome position (GRCh38, 1-based): chr19:39,507,246, C>T. VCF-style: chr19-39507246-C-T. GRCh37 (hg19) VCF-style: chr19-39997886-C-T.
Other names: c.1301C>T, p.Ala434Val (NM_016941.4); short protein forms A434V.
Identifiers: ClinVar variation 3718784 (VCV003718784.1).
Genomic context (GRCh38, chr19:39,507,246, plus strand): 5'-GCTGCTCCTGCGCGCTGGGCTTCGGCGGCCGCGACTGCCGCGAGCGCGCGGACCCGTGCG[C>T]CGCGCGCCCCTGTGCTCACGGCGGCCGCTGCTACGCCCACTTCTCCGGCCTCGTCTGCGC-3'
Protein context (NP_982353.1, residues 424-444): RDCRERADPC[Ala434Val]ARPCAHGGRC